The following is an entry in ClinVar:

NM_003482.4(KMT2D):c.14300G>C (p.Gly4767Ala)

Gene: KMT2D (lysine methyltransferase 2D; minus strand). Cytogenetic location: 12q13.12.
Variant type: single nucleotide variant.
Coding change: c.14300G>C on transcript NM_003482.4 (MANE Select); coding-DNA position 14300, G replaced by C.
Protein change: p.Gly4767Ala; replaces glycine 4767 with alanine.
Molecular consequence: missense variant.
Genome position (GRCh38, 1-based): chr12:49,028,910, C>G on the plus strand (G>C on the coding strand, the complement: KMT2D is on the minus strand). VCF-style: chr12-49028910-C-G. GRCh37 (hg19) VCF-style: chr12-49422693-C-G.
Other names: short protein forms G4767A.
Identifiers: ClinVar variation 3699403 (VCV003699403.2).

ClinVar aggregate classification (germline): Uncertain significance (1 of 4 stars; one submission).

Conditions:
Kabuki syndrome. Also called: NIIKAWA-KUROKI SYNDROME; Kabuki make-up syndrome. Identifiers: Orphanet 2322, MedGen C0796004, MONDO:0016512.

Submission:

Labcorp Genetics (formerly Invitae), Labcorp
Classification: Uncertain significance for Kabuki syndrome. Last evaluated: 2024-12-07. Review status: criteria provided, single submitter. Criteria: Invitae Variant Classification Sherloc (09022015). Collection method: clinical testing. Allele origin: germline.
Comment: This sequence change replaces glycine, which is neutral and non-polar, with alanine, which is neutral and non-polar, at codon 4767 of the KMT2D protein (p.Gly4767Ala). This variant is not present in population databases (gnomAD no frequency). This variant has not been reported in the literature in individuals affected with KMT2D-related conditions. Invitae Evidence Modeling of protein sequence and biophysical properties (such as structural, functional, and spatial information, amino acid conservation, physicochemical variation, residue mobility, and thermodynamic stability) indicates that this missense variant is not expected to disrupt KMT2D protein function with a negative predictive value of 95%. In summary, the available evidence is currently insufficient to determine the role of this variant in disease. Therefore, it has been classified as a Variant of Uncertain Significance.